The following is an entry in ClinVar:

NM_138413.4(HOGA1):c.122del (p.Pro41fs)

Gene: HOGA1 (4-hydroxy-2-oxoglutarate aldolase 1; plus strand). Cytogenetic location: 10q24.2.
Variant type: Deletion.
Coding change: c.122del on transcript NM_138413.4 (MANE Select); coding-DNA position 122, one base deleted (C; older notation c.122delC).
Protein change: p.Pro41fs; shifts the reading frame from proline 41.
Molecular consequence: frameshift variant.
Genome position (GRCh38, 1-based): chr10:97,584,825, C deleted; the last of 6 consecutive C bases (chr10:97,584,820-97,584,825); deleting any one gives the same sequence. VCF-style (leftmost placement, unchanged base first): chr10-97584819-AC-A. GRCh37 (hg19) VCF-style: chr10-99344576-AC-A.
Other names: c.122del, p.Pro41fs (NM_001134670.2); c.122del (NM_138413.3); short protein forms P41fs.
Identifiers: ClinVar variation 2664414 (VCV002664414.4), dbSNP rs1425736036, ClinGen allele CA2695201014.
Genomic context (GRCh38, chr10:97,584,819, plus strand): 5'-CCAGGAATGTGGGGGTCTGGGCCTCAGGGGAGGGGAAGAAGGTGGACATTGCGGGTATCT[AC>A]CCCCCTGTGACCACCCCCTTCACTGCCACTGCAGAGGTGGACTATGGGAAACTGGAGGAG-3'

ClinVar aggregate classification (germline): Pathogenic/Likely pathogenic. Review status: criteria provided, multiple submitters, no conflicts (2 of 4 stars). 3 submissions from 3 submitters: Pathogenic (2); Likely pathogenic (1). Last evaluated 2025-11-14.

Conditions:
Primary hyperoxaluria type 3. Also called: PH III. Identifiers: Orphanet 416, Orphanet 93600, MedGen C3150878, MONDO:0013327, OMIM 613616. Disease mechanism: loss of function.

Submissions (3):

Natera, Inc.
Classification: Pathogenic for Primary hyperoxaluria type III. Last evaluated: 2025-11-14. Review status: criteria provided, single submitter. Criteria: Natera Variant Classification Schema (03/2026). Collection method: clinical testing. Allele origin: germline.
Comment: The c.122del variant in HOGA1 is a frameshift variant predicted to shift the reading frame beginning at codon 41 and leads to a stop codon 2 codons downstream. This variant is expected to result in nonsense mediated decay, truncation, or a dysfunctional protein product. This variant is rare in the general population with a frequency below the threshold expected for the associated phenotype(s). This variant has been observed in one or more individuals affected with the associated recessive disease, as either homozygous or compound heterozygous with a second variant (PMID: 37306718). Given the available evidence, this variant is classified as Pathogenic.

Labcorp Genetics (formerly Invitae), Labcorp
Classification: Pathogenic. Last evaluated: 2024-03-16. Review status: criteria provided, single submitter. Criteria: Invitae Variant Classification Sherloc (09022015). Collection method: clinical testing. Allele origin: germline.
Comment: This sequence change creates a premature translational stop signal (p.Pro41Leufs*2) in the HOGA1 gene. It is expected to result in an absent or disrupted protein product. Loss-of-function variants in HOGA1 are known to be pathogenic (PMID: 22391140, 22781098). This variant is not present in population databases (gnomAD no frequency). This premature translational stop signal has been observed in individual(s) with monogenic nephrolithiasis (PMID: 34674420). ClinVar contains an entry for this variant (Variation ID: 2664414). For these reasons, this variant has been classified as Pathogenic.

Clinical Biochemistry Laboratory, Health Services Laboratory
Classification: Likely pathogenic for Primary hyperoxaluria type 3. Last evaluated: 2023-10-27. Review status: criteria provided, single submitter. Criteria: ACMG Guidelines, 2015. Collection method: curation. Allele origin: germline. Affected: yes.
Comment: ACMG:PVS1 PM2

Literature cited by the submitters: PubMed 37306718 (cited by Natera, Inc.); PubMed 22391140 (cited by Labcorp Genetics (formerly Invitae), Labcorp); PubMed 22781098 (cited by Labcorp Genetics (formerly Invitae), Labcorp); PubMed 34674420 (cited by Labcorp Genetics (formerly Invitae), Labcorp and Clinical Biochemistry Laboratory, Health Services Laboratory).